The following is an entry in ClinVar:

ClinVar aggregate classification (germline): Pathogenic/Likely pathogenic. Review status: criteria provided, multiple submitters, no conflicts (2 of 4 stars). 6 submissions from 6 submitters: Pathogenic (1); Likely pathogenic (3). 2 of the submissions do not count toward it. Last evaluated 2026-04-14.

Conditions:
Benign recurrent intrahepatic cholestasis type 2 (BRIC2). Also called: Recurrent familial intrahepatic cholestasis 2. Identifiers: Orphanet 65682, Orphanet 99961, MedGen C2608083, MONDO:0011559, OMIM 605479.
Progressive familial intrahepatic cholestasis type 1. Also called: Byler's disease; BYLER DISEASE; Severe ATP8B1 Deficiency (Progressive Familial Intrahepatic Cholestasis Type 1 [PFIC1]). Identifiers: Orphanet 79306, MedGen C4551898, MONDO:0008892, OMIM 211600.
ABCB11-related disorder. Also called: ABCB11-related condition.
Familial intrahepatic cholestasis. Identifiers: Orphanet 284385, MedGen CN296401, MONDO:0017290.
Progressive familial intrahepatic cholestasis type 2. Identifiers: Orphanet 79304, MedGen C3489789, MONDO:0011156, OMIM 601847.

Allele frequency attached by ClinVar (database versions not stated): TOPMed below 0.00001; ExAC 0.00002.

Submissions (6):

Genomenon, Inc
Classification: Likely pathogenic for Familial intrahepatic cholestasis. Last evaluated: 2026-04-14. Review status: criteria provided, single submitter. Criteria: Genomenon Sequence Variant Interpretation Standards - Updated. Collection method: curation. Allele origin: germline. Affected: yes.
Comment: ABCB11 p.Ile541Thr (c.1622T>C) is a missense variant that changes the amino acid at residue 541 from Isoleucine to Threonine. This variant has been observed in at least one proband with an ABCB11-related disorder (PMID:25847299;18395098;20683201). The presence of pathogenic or likely pathogenic missense variant(s) at the same amino acid position indicates that this residue is likely important for protein function. It is absent or not present at a significant frequency in gnomAD. In silico models predict that this variant is possibly or probably damaging. In conclusion, we classify ABCB11 p.Ile541Thr (c.1622T>C) as a likely pathogenic variant.

Natera, Inc.
Classification: Likely pathogenic for Progressive familial intrahepatic cholestasis type 2. Last evaluated: 2025-09-04. Review status: criteria provided, single submitter. Criteria: Natera Variant Classification Schema (03/2026). Collection method: clinical testing. Allele origin: germline.
Comment: The c.1622T>C variant in ABCB11 is a missense variant predicted to cause substitution of isoleucine to threonine at amino acid 541. This variant is rare in the general population with a frequency below the threshold expected for the associated phenotype(s). This variant has been observed in one or more individuals affected with the associated recessive disease, as either homozygous or compound heterozygous with a second variant (PMID: 34016879). A different variant at the same position has been determined to be Pathogenic or Likely Pathogenic. Computational prediction algorithms indicate this variant is likely to affect gene or protein function. Given the available evidence, this variant is classified as Likely Pathogenic.

Women's Health and Genetics/Laboratory Corporation of America, LabCorp
Classification: Pathogenic for Progressive familial intrahepatic cholestasis type 1. Last evaluated: 2025-07-08. Review status: criteria provided, single submitter. Criteria: LabCorp Variant Classification Summary - May 2015. Collection method: clinical testing. Allele origin: germline.
Comment: Variant summary: ABCB11 c.1622T>C (p.Ile541Thr) results in a non-conservative amino acid change in the encoded protein sequence. Algorithms developed to predict the effect of missense changes on protein structure and function all suggest that this variant is likely to be disruptive. The variant was absent in 248404 control chromosomes. c.1622T>C has been observed in the presumed or confirmed compound heterozygous or homozygous state in multiple individuals affected with clinical features and/or diagnosis of Progressive familial intrahepatic cholestasis type 1 (example, Hertel_2021, van Wessel_2020, Matte_2010, Strautnieks_2008). These data indicate that the variant is very likely to be associated with disease. To our knowledge, no experimental evidence demonstrating an impact on protein function has been reported. The following publications have been ascertained in the context of this evaluation (PMID: 25847299, 34016879, 32087350, 23758865, 20683201, 22795478, 18395098). ClinVar contains an entry for this variant (Variation ID: 498846). Based on the evidence outlined above, the variant was classified as pathogenic.

Baylor Genetics
Classification: Likely pathogenic for Benign recurrent intrahepatic cholestasis type 2. Last evaluated: 2024-03-12. Review status: criteria provided, single submitter. Criteria: ACMG Guidelines, 2015. Collection method: clinical testing. Allele origin: unknown.

PreventionGenetics, part of Exact Sciences
Classification: Pathogenic for ABCB11-related condition. Last evaluated: 2024-07-16. Review status: no assertion criteria provided. Collection method: clinical testing. Allele origin: germline. Not counted in ClinVar's aggregate classification.
Comment: The ABCB11 c.1622T>C variant is predicted to result in the amino acid substitution p.Ile541Thr. This variant has been reported, in the compound heterozygous state with a predicted loss-of-function variant, in a patient with severe bile salt export pump (BSEP) deficiency and progressive cholestatic liver disease (Strautnieks et al. 2008. PubMed ID: 18395098). This variant was also described in the homozygous state in two additional individuals with cholestasis (supplementary data, Hertel et al. 2021. PubMed ID: 34016879; Matte et al. 2010. PubMed ID: 20683201). An alternate amino acid change at this position, designated c.1621A>C (p.Ile541Leu), has been reported in the homozygous and compound heterozygous state in patients with severe BSEP deficiency and progressive familial intrahepatic cholestasis (Nobili et al. 2006. PubMed ID: 16868810; Strautnieks et al. 2008. PubMed ID: 18395098). Experimental studies show that BSEP protein was not detectable in CHO-K1 cells transiently expressing the p.Ile541Leu variant, suggesting the p.Ile541 residue is critical for BSEP protein stability and therefore function (Byrne et al. 2009. PubMed ID: 19101985). This variant has not been reported in a large population database, indicating this variant is rare. Based on these observations, we classify the c.1622T>C (p.Ile541Thr) variant as pathogenic.

Eurofins Ntd Llc (ga)
Classification: Uncertain significance. Last evaluated: 2016-12-01. Review status: flagged submission. Criteria: EGL Classification Definitions 2015. Collection method: clinical testing. Allele origin: germline. Observed: 1 variant allele, 1 heterozygote. Not counted in ClinVar's aggregate classification.
ClinVar note: Reason: Older and outlier claim with insufficient supporting evidence

Literature cited by the submitters: PubMed 25847299 (cited by Genomenon, Inc and Women's Health and Genetics/Laboratory Corporation of America, LabCorp); PubMed 18395098 (cited by Genomenon, Inc and Women's Health and Genetics/Laboratory Corporation of America, LabCorp); PubMed 20683201 (cited by Genomenon, Inc and Women's Health and Genetics/Laboratory Corporation of America, LabCorp); PubMed 34016879 (cited by Natera, Inc. and Women's Health and Genetics/Laboratory Corporation of America, LabCorp); PubMed 32087350 (cited by Women's Health and Genetics/Laboratory Corporation of America, LabCorp); PubMed 22795478 (cited by Women's Health and Genetics/Laboratory Corporation of America, LabCorp); PubMed 23758865 (cited by Women's Health and Genetics/Laboratory Corporation of America, LabCorp).

NM_003742.4(ABCB11):c.1622T>C (p.Ile541Thr)

Gene: ABCB11 (ATP binding cassette subfamily B member 11; minus strand). Cytogenetic location: 2q31.1.
Variant type: single nucleotide variant.
Coding change: c.1622T>C on transcript NM_003742.4 (MANE Select); coding-DNA position 1622, T replaced by C.
Protein change: p.Ile541Thr; replaces isoleucine 541 with threonine.
Molecular consequence: missense variant.
Genome position (GRCh38, 1-based): chr2:168,971,863, A>G on the plus strand (T>C on the coding strand, the complement: ABCB11 is on the minus strand). VCF-style: chr2-168971863-A-G. GRCh37 (hg19) VCF-style: chr2-169828373-A-G.
Other names: c.1622T>C (NM_003742.2); c.1622T>C, p.Ile541Thr (LRG_1199t1); short protein forms I541T.
Identifiers: ClinVar variation 498846 (VCV000498846.11), dbSNP rs753994013, ClinGen allele CA1951531.
Genomic context (GRCh38, chr2:168,971,863, plus strand): 5'-CTATGACCTCTTAGTTTCTCCCAGGAATGTATGGCTAGGGGTACCTGTGGCAGGTCCATG[A>G]TGAAGTTGTAGGCATTGGCCTCCTTGGCAGCTTGGACTATGTCTTCCATTGTTGCATCTT-3'
Protein context (NP_003733.2, residues 531-551): AAKEANAYNF[Ile541Thr]MDLPQQFDTL